The following is an entry in ClinVar:

NM_001378452.1(ITPR1):c.2204+13C>T

Gene: ITPR1 (inositol 1,4,5-trisphosphate receptor type 1; plus strand). Cytogenetic location: 3p26.1.
Variant type: single nucleotide variant.
Coding change: c.2204+13C>T on transcript NM_001378452.1 (MANE Select); 13 bases into the intron after coding-DNA position 2204, C replaced by T.
Molecular consequence: intron variant.
Genome position (GRCh38, 1-based): chr3:4,670,939, C>T. VCF-style: chr3-4670939-C-T. GRCh37 (hg19) VCF-style: chr3-4712623-C-T.
Other names: c.2204+13C>T (NM_001099952.4); c.2159+13C>T (NM_001168272.2, NM_002222.7).
Identifiers: ClinVar variation 900043 (VCV000900043.11), dbSNP rs141519515, ClinGen allele CA2231361.

ClinVar aggregate classification (germline): Benign. Review status: criteria provided, multiple submitters, no conflicts (2 of 4 stars). 2 submissions from 2 submitters: Benign (2). Last evaluated 2026-02-02.

Conditions:
Autosomal dominant cerebellar ataxia. Also called: Spinocerebellar Ataxia, Dominant. Identifiers: Orphanet 99, MedGen C4087347, MONDO:0020380.

Allele frequency attached by ClinVar (database versions not stated): ExAC 0.00318; gnomAD 0.00718 and 0.00759; ESP Exome Variant Server 0.00796; TOPMed 0.00807; 1000 Genomes Project 30x 0.00843; 1000 Genomes Project 0.00899.
gnomAD v4.1: 2,256 of 1,521,044 alleles (0.15%); highest among the groups gnomAD compares: African/African-American, 2.5%; 26 homozygotes.

Submissions (2):

Labcorp Genetics (formerly Invitae), Labcorp
Classification: Benign. Last evaluated: 2026-02-02. Review status: criteria provided, single submitter. Criteria: Invitae Variant Classification Sherloc (09022015). Collection method: clinical testing. Allele origin: germline.

Illumina Laboratory Services, Illumina
Classification: Benign for Spinocerebellar Ataxia, Dominant. Last evaluated: 2018-01-13. Review status: criteria provided, single submitter. Criteria: ICSL Variant Classification Criteria 13 December 2019. Collection method: clinical testing. Allele origin: germline.
Comment: This variant was observed in the ICSL laboratory as part of a predisposition screen in an ostensibly healthy population. It had not been previously curated by ICSL or reported in the Human Gene Mutation Database (HGMD: prior to June 1st, 2018), and was therefore a candidate for classification through an automated scoring system. Utilizing variant allele frequency, disease prevalence and penetrance estimates, and inheritance mode, an automated score was calculated to assess if this variant is too frequent to cause the disease. Based on the score and internal cut-off values, a variant classified as benign is not then subjected to further curation. The score for this variant resulted in a classification of benign for this disease.